The following is an entry in ClinVar:

ClinVar aggregate classification (germline): Uncertain significance (1 of 4 stars; one submission).

Conditions:
KBG syndrome (KBGS). Also called: ANKRD11-Related KBG Syndrome. Identifiers: Orphanet 2332, MedGen C0220687, MONDO:0007846, OMIM 148050.

Submission:

Labcorp Genetics (formerly Invitae), Labcorp
Classification: Uncertain significance for KBG syndrome. Last evaluated: 2023-08-17. Review status: criteria provided, single submitter. Criteria: Invitae Variant Classification Sherloc (09022015). Collection method: clinical testing. Allele origin: germline.
Comment: This variant is not present in population databases (gnomAD no frequency). This sequence change replaces glutamic acid, which is acidic and polar, with aspartic acid, which is acidic and polar, at codon 975 of the ANKRD11 protein (p.Glu975Asp). In summary, the available evidence is currently insufficient to determine the role of this variant in disease. Therefore, it has been classified as a Variant of Uncertain Significance. This variant has not been reported in the literature in individuals affected with ANKRD11-related conditions. Advanced modeling of protein sequence and biophysical properties (such as structural, functional, and spatial information, amino acid conservation, physicochemical variation, residue mobility, and thermodynamic stability) performed at Invitae indicates that this missense variant is not expected to disrupt ANKRD11 protein function.

NM_013275.6(ANKRD11):c.2925G>T (p.Glu975Asp)

Gene: ANKRD11 (ankyrin repeat domain 11; minus strand). Cytogenetic location: 16q24.3.
Variant type: single nucleotide variant.
Coding change: c.2925G>T on transcript NM_013275.6 (MANE Select); coding-DNA position 2925, G replaced by T.
Protein change: p.Glu975Asp; replaces glutamic acid 975 with aspartic acid.
Molecular consequence: missense variant.
Genome position (GRCh38, 1-based): chr16:89,283,617, C>A on the plus strand (G>T on the coding strand, the complement: ANKRD11 is on the minus strand). VCF-style: chr16-89283617-C-A. GRCh37 (hg19) VCF-style: chr16-89350025-C-A.
Other names: c.2925G>T, p.Glu975Asp (NM_001256182.2, NM_001256183.2); short protein forms E975D.
Identifiers: ClinVar variation 2735343 (VCV002735343.3), dbSNP rs2544239347, ClinGen allele CA397160989.
Genomic context (GRCh38, chr16:89,283,617, plus strand): 5'-CTTCCCAAAGTCGCCGTCGGACTTGTCCTTGAAGCCACTCTCGCAGCCACACTCCTTCAG[C>A]TCCTCCCGGTGCGCCTCCTCGGGCTTGGCCCTGCCGTCCCTGCGCTCCTTGCAGCTCTCC-3'
Protein context (NP_037407.4, residues 965-985): RAKPEEAHRE[Glu975Asp]LKECGCESGF